The following is an entry in ClinVar:

ClinVar aggregate classification (germline): Uncertain significance (1 of 4 stars; one submission).

Allele frequency attached by ClinVar (database versions not stated): TOPMed below 0.00001; gnomAD 0.00001.
gnomAD v4.1: 2 of 1,614,078 alleles (0.00012%); highest among the groups gnomAD compares: Non-Finnish European, 0.000085%; no homozygotes.

Submission:

Labcorp Genetics (formerly Invitae), Labcorp
Classification: Uncertain significance. Last evaluated: 2021-10-21. Review status: criteria provided, single submitter. Criteria: Invitae Variant Classification Sherloc (09022015). Collection method: clinical testing. Allele origin: germline.
Comment: This variant is not present in population databases (ExAC no frequency). This variant has not been reported in the literature in individuals affected with PRPF8-related conditions. Algorithms developed to predict the effect of missense changes on protein structure and function are either unavailable or do not agree on the potential impact of this missense change (SIFT: "Deleterious"; PolyPhen-2: "Probably Damaging"; Align-GVGD: "Class C0"). In summary, the available evidence is currently insufficient to determine the role of this variant in disease. Therefore, it has been classified as a Variant of Uncertain Significance. This sequence change replaces arginine with tryptophan at codon 2121 of the PRPF8 protein (p.Arg2121Trp). The arginine residue is highly conserved and there is a moderate physicochemical difference between arginine and tryptophan.

NM_006445.4(PRPF8):c.6361C>T (p.Arg2121Trp)

Gene: PRPF8 (pre-mRNA processing factor 8; minus strand). Cytogenetic location: 17p13.3.
Variant type: single nucleotide variant.
Coding change: c.6361C>T on transcript NM_006445.4 (MANE Select); coding-DNA position 6361, C replaced by T.
Protein change: p.Arg2121Trp; replaces arginine 2121 with tryptophan.
Molecular consequence: missense variant.
Genome position (GRCh38, 1-based): chr17:1,653,550, G>A on the plus strand (C>T on the coding strand, the complement: PRPF8 is on the minus strand). VCF-style: chr17-1653550-G-A. GRCh37 (hg19) VCF-style: chr17-1556844-G-A.
Other names: short protein forms R2121W.
Identifiers: ClinVar variation 1481096 (VCV001481096.6), dbSNP rs867684763, ClinGen allele CA286853978.
Genomic context (GRCh38, chr17:1,653,550, plus strand): 5'-GCACAAAATGAGTTGGGCACACACTGTGGCCTAGCTGAGTCCACTTACTCACTTGGGCCC[G>A]AAGGTCAGATATGCAGATGAACTTCTTAAGCACATTCTTGGGAAGGATGTAGGTGTAGCC-3'
Protein context (NP_006436.3, residues 2111-2131): LKKFICISDL[Arg2121Trp]AQIAGYLYGV